The following is an entry in ClinVar:

ClinVar aggregate classification (germline): Likely pathogenic (1 of 4 stars; one submission).

Conditions:
Usher syndrome type 2C. Also called: USHER SYNDROME, TYPE IIC; Usher syndrome, type 2B. Identifiers: Orphanet 231178, Orphanet 886, MedGen C2931213, MONDO:0011558, OMIM 605472.

Submission:

SingHealth Duke-NUS Institute of Precision Medicine
Classification: Likely pathogenic for Usher syndrome type 2C. Last evaluated: 2025-02-05. Review status: criteria provided, single submitter. Criteria: PRISM ACMG Classification Criteria. Collection method: clinical testing. Allele origin: germline. Affected: yes.
Comment: Variant is predicted to cause nonsense-mediated decay in a gene where LOF is a known cause of pathogenicity (PVS1). Variant is not found in gnomAD genomes or exomes (PM2).

NM_032119.4(ADGRV1):c.16357A>T (p.Lys5453Ter)

Gene: ADGRV1 (adhesion G protein-coupled receptor V1; plus strand). Cytogenetic location: 5q14.3.
Variant type: single nucleotide variant.
Coding change: c.16357A>T on transcript NM_032119.4 (MANE Select); coding-DNA position 16357, A replaced by T.
Protein change: p.Lys5453Ter; replaces lysine 5453 with a stop codon.
Molecular consequence: nonsense. On other transcripts: non-coding transcript variant (1).
Genome position (GRCh38, 1-based): chr5:90,823,585, A>T. VCF-style: chr5-90823585-A-T. GRCh37 (hg19) VCF-style: chr5-90119402-A-T.
Other names: short protein forms K5453*.
Identifiers: ClinVar variation 3767348 (VCV003767348.1).